The following is an entry in ClinVar:

NM_000138.5(FBN1):c.8504C>T (p.Pro2835Leu)

Gene: FBN1 (fibrillin 1; minus strand). Cytogenetic location: 15q21.1.
Variant type: single nucleotide variant.
Coding change: c.8504C>T on transcript NM_000138.5 (MANE Select); coding-DNA position 8504, C replaced by T.
Protein change: p.Pro2835Leu; replaces proline 2835 with leucine.
Molecular consequence: missense variant.
Genome position (GRCh38, 1-based): chr15:48,411,102, G>A on the plus strand (C>T on the coding strand, the complement: FBN1 is on the minus strand). VCF-style: chr15-48411102-G-A. GRCh37 (hg19) VCF-style: chr15-48703299-G-A.
Other names: c.8504C>T, p.Pro2835Leu (NM_001406716.1); short protein forms P2835L.
Identifiers: ClinVar variation 2501604 (VCV002501604.1), dbSNP rs757290299, ClinGen allele CA060114.

ClinVar aggregate classification (germline): Uncertain significance (1 of 4 stars; one submission).

Allele frequency attached by ClinVar (database versions not stated): ExAC 0.00001; gnomAD exomes 0.00001.
gnomAD v4.1: 5 of 1,614,032 alleles (0.00031%); highest among the groups gnomAD compares: South Asian, 0.0055%; no homozygotes.

Submission:

GeneDx
Classification: Uncertain significance. Last evaluated: 2022-11-03. Review status: criteria provided, single submitter. Criteria: GeneDx Variant Classification Process June 2021. Collection method: clinical testing. Allele origin: germline. Affected: yes.
Comment: Not observed at significant frequency in large population cohorts (gnomAD); In silico analysis supports that this missense variant has a deleterious effect on protein structure/function; Has not been previously published as pathogenic or benign to our knowledge; Does not affect a cysteine residue within a calcium-binding EGF-like domain or a TGF-binding protein domain of the FBN1 gene; cysteine substitutions in the calcium-binding EGF-like domains represent the majority of pathogenic missense changes associated with FBN1-related disorders (Collod-Beroud et al., 2003); This variant is associated with the following publications: (PMID: 12938084)